The following is an entry in ClinVar:

ClinVar aggregate classification (germline): Uncertain significance (1 of 4 stars; one submission).

Conditions:
Peroxisome biogenesis disorder. Identifiers: Orphanet 79189, MedGen C1832200, MONDO:0019234. Disease mechanism: loss of function.

gnomAD v4.1: 1 of 1,614,082 alleles (0.000062%); highest among the groups gnomAD compares: Admixed American, 0.0017%; no homozygotes.

Submission:

Labcorp Genetics (formerly Invitae), Labcorp
Classification: Uncertain significance for Peroxisome biogenesis disorder. Last evaluated: 2025-01-06. Review status: criteria provided, single submitter. Criteria: Invitae Variant Classification Sherloc (09022015). Collection method: clinical testing. Allele origin: germline.
Comment: This sequence change replaces serine, which is neutral and polar, with cysteine, which is neutral and slightly polar, at codon 408 of the PEX6 protein (p.Ser408Cys). This variant is not present in population databases (gnomAD no frequency). This variant has not been reported in the literature in individuals affected with PEX6-related conditions. Invitae Evidence Modeling of protein sequence and biophysical properties (such as structural, functional, and spatial information, amino acid conservation, physicochemical variation, residue mobility, and thermodynamic stability) indicates that this missense variant is not expected to disrupt PEX6 protein function with a negative predictive value of 80%. In summary, the available evidence is currently insufficient to determine the role of this variant in disease. Therefore, it has been classified as a Variant of Uncertain Significance.

NM_000287.4(PEX6):c.1223C>G (p.Ser408Cys)

Gene: PEX6 (peroxisomal biogenesis factor 6; minus strand). Cytogenetic location: 6p21.1.
Variant type: single nucleotide variant.
Coding change: c.1223C>G on transcript NM_000287.4 (MANE Select); coding-DNA position 1223, C replaced by G.
Protein change: p.Ser408Cys; replaces serine 408 with cysteine.
Molecular consequence: missense variant. On other transcripts: non-coding transcript variant (1).
Genome position (GRCh38, 1-based): chr6:42,969,895, G>C on the plus strand (C>G on the coding strand, the complement: PEX6 is on the minus strand). VCF-style: chr6-42969895-G-C. GRCh37 (hg19) VCF-style: chr6-42937633-G-C.
Other names: c.959C>G, p.Ser320Cys (NM_001316313.2); short protein forms S320C, S408C.
Identifiers: ClinVar variation 3620916 (VCV003620916.2).